The following is an entry in ClinVar:

NM_006080.3(SEMA3A):c.1440G>A (p.Met480Ile)

Gene: SEMA3A (semaphorin 3A; minus strand). Cytogenetic location: 7q21.11.
Variant type: single nucleotide variant.
Coding change: c.1440G>A on transcript NM_006080.3 (MANE Select); coding-DNA position 1440, G replaced by A.
Protein change: p.Met480Ile; replaces methionine 480 with isoleucine.
Molecular consequence: missense variant.
Genome position (GRCh38, 1-based): chr7:84,001,967, C>T on the plus strand (G>A on the coding strand, the complement: SEMA3A is on the minus strand). VCF-style: chr7-84001967-C-T. GRCh37 (hg19) VCF-style: chr7-83631283-C-T.
Other names: short protein forms M480I.
Identifiers: ClinVar variation 3345845 (VCV003345845.1).
Genomic context (GRCh38, chr7:84,001,967, plus strand): 5'-AAGACGTACAACTGAACTTGTTGACACTTGAAATTAAGCAGCACTCACCCGAAAAACTGT[C>T]ATTTCTTCCAGCAGAACCTCTTCTAAATCATACCAAGTCTCCTTAGGAATTGAAACTACT-3'
Protein context (NP_006071.1, residues 470-490): YDLEEVLLEE[Met480Ile]TVFREPTAIS

ClinVar aggregate classification (germline): Uncertain significance (0 of 4 stars; one submission).

Conditions:
SEMA3A-related disorder. Also called: SEMA3A-related condition.

gnomAD v4.1: 1 of 1,611,374 alleles (0.000062%); highest among the groups gnomAD compares: South Asian, 0.0011%; no homozygotes.

Submission:

PreventionGenetics, part of Exact Sciences
Classification: Uncertain significance for SEMA3A-related condition. Last evaluated: 2024-08-02. Review status: no assertion criteria provided. Collection method: clinical testing. Allele origin: germline.
Comment: The SEMA3A c.1440G>A variant is predicted to result in the amino acid substitution p.Met480Ile. To our knowledge, this variant has not been reported in the literature or in a large population database, indicating this variant is rare. At this time, the clinical significance of this variant is uncertain due to the absence of conclusive functional and genetic evidence.